The following is an entry in ClinVar:

NM_003002.4(SDHD):c.397G>C (p.Ala133Pro)

Gene: SDHD (succinate dehydrogenase complex subunit D; plus strand). Cytogenetic location: 11q23.1.
Variant type: single nucleotide variant.
Coding change: c.397G>C on transcript NM_003002.4 (MANE Select); coding-DNA position 397, G replaced by C.
Protein change: p.Ala133Pro; replaces alanine 133 with proline.
Molecular consequence: missense variant. On other transcripts: 3 prime UTR variant (1), non-coding transcript variant (1).
Genome position (GRCh38, 1-based): chr11:112,094,887, G>C. VCF-style: chr11-112094887-G-C. GRCh37 (hg19) VCF-style: chr11-111965611-G-C.
Other names: c.252G>C, p.Gln84His (NM_001276503.2); c.280G>C, p.Ala94Pro (NM_001276504.2); c.*95G>C (NM_001276506.2); short protein forms A133P, Q84H, A94P.
Identifiers: ClinVar variation 412507 (VCV000412507.9), dbSNP rs1060503774, ClinGen allele CA16613234.
Genomic context (GRCh38, chr11:112,094,887, plus strand): 5'-GACTATGTTCATGGGGATGCCTTGCAGAAAGCTGCCAAGGCAGGGCTTTTGGCACTTTCA[G>C]CTTTAACCTTTGCTGGGCTTTGCTATTTCAACTATCACGATGTGGGCATCTGCAAAGCTG-3'
Protein context (NP_002993.1, residues 123-143): AAKAGLLALS[Ala133Pro]LTFAGLCYFN

ClinVar aggregate classification (germline): Uncertain significance. Review status: criteria provided, multiple submitters, no conflicts (2 of 4 stars). 3 submissions from 3 submitters: Uncertain significance (3). Last evaluated 2024-10-17.

Conditions:
Pheochromocytoma. Also called: MAX-Related Hereditary Paraganglioma-Pheochromocytoma Syndrome. Identifiers: Orphanet 29072, MedGen C0031511, MONDO:0008233, OMIM 171300, HP:0002666.
Carney-Stratakis syndrome. Also called: PARAGANGLIOMA AND GASTROINTESTINAL STROMAL TUMOR. Identifiers: Orphanet 97286, MedGen C1847319, MONDO:0011740, OMIM 606864.
Paragangliomas with sensorineural hearing loss. Identifiers: MedGen C1868633.
Cowden syndrome 3 (CWS3). Identifiers: Orphanet 201, MedGen CN166604, MONDO:0014045.
Hereditary cancer-predisposing syndrome. Also called: Neoplastic Syndromes, Hereditary; Tumor predisposition; Hereditary Cancer Syndrome; Hereditary neoplastic syndrome. Identifiers: Orphanet 140162, MedGen C0027672, MeSH D009386, MONDO:0015356.

Submissions (3):

Ambry Genetics
Classification: Uncertain significance for Hereditary cancer-predisposing syndrome. Last evaluated: 2024-10-17. Review status: criteria provided, single submitter. Criteria: Ambry Variant Classification Scheme 2023. Collection method: clinical testing. Allele origin: germline.
Comment: The p.A133P variant (also known as c.397G>C), located in coding exon 4 of the SDHD gene, results from a G to C substitution at nucleotide position 397. The alanine at codon 133 is replaced by proline, an amino acid with highly similar properties. This amino acid position is not well conserved in available vertebrate species. In addition, this alteration is predicted to be deleterious by in silico analysis. Based on the available evidence, the clinical significance of this variant remains unclear.

Labcorp Genetics (formerly Invitae), Labcorp
Classification: Uncertain significance for Carney-Stratakis syndrome; Paragangliomas with sensorineural hearing loss; Pheochromocytoma; Cowden syndrome 3. Last evaluated: 2024-02-07. Review status: criteria provided, single submitter. Criteria: Invitae Variant Classification Sherloc (09022015). Collection method: clinical testing. Allele origin: germline.
Comment: This sequence change replaces alanine, which is neutral and non-polar, with proline, which is neutral and non-polar, at codon 133 of the SDHD protein (p.Ala133Pro). This variant is not present in population databases (gnomAD no frequency). This variant has not been reported in the literature in individuals affected with SDHD-related conditions. ClinVar contains an entry for this variant (Variation ID: 412507). Advanced modeling of protein sequence and biophysical properties (such as structural, functional, and spatial information, amino acid conservation, physicochemical variation, residue mobility, and thermodynamic stability) has been performed at Invitae for this missense variant, however the output from this modeling did not meet the statistical confidence thresholds required to predict the impact of this variant on SDHD protein function. In summary, the available evidence is currently insufficient to determine the role of this variant in disease. Therefore, it has been classified as a Variant of Uncertain Significance.

GeneDx
Classification: Uncertain significance. Last evaluated: 2019-11-20. Review status: criteria provided, single submitter. Criteria: GeneDx Variant Classification Process June 2021. Collection method: clinical testing. Allele origin: germline. Affected: yes.
Comment: Not observed in large population cohorts (Lek 2016); In silico analysis, which includes protein predictors and evolutionary conservation, supports that this variant does not alter protein structure/function; Has not been previously published as pathogenic or benign to our knowledge; Also known as p.Ala77Pro